The following is an entry in ClinVar:

NM_144701.3(IL23R):c.495A>T (p.Leu165Phe)

Gene: IL23R (interleukin 23 receptor; plus strand). Cytogenetic location: 1p31.3.
Variant type: single nucleotide variant.
Coding change: c.495A>T on transcript NM_144701.3 (MANE Select); coding-DNA position 495, A replaced by T.
Protein change: p.Leu165Phe; replaces leucine 165 with phenylalanine.
Molecular consequence: missense variant.
Genome position (GRCh38, 1-based): chr1:67,200,740, A>T. VCF-style: chr1-67200740-A-T. GRCh37 (hg19) VCF-style: chr1-67666423-A-T.
Other names: short protein forms L165F.
Identifiers: ClinVar variation 1370964 (VCV001370964.8), dbSNP rs1282657856, ClinGen allele CA340727300.

ClinVar aggregate classification (germline): Uncertain significance (1 of 4 stars; one submission).

Submission:

Labcorp Genetics (formerly Invitae), Labcorp
Classification: Uncertain significance. Last evaluated: 2021-02-10. Review status: criteria provided, single submitter. Criteria: Invitae Variant Classification Sherloc (09022015). Collection method: clinical testing. Allele origin: germline.
Comment: In summary, the available evidence is currently insufficient to determine the role of this variant in disease. Therefore, it has been classified as a Variant of Uncertain Significance. Algorithms developed to predict the effect of missense changes on protein structure and function are either unavailable or do not agree on the potential impact of this missense change (SIFT: "Deleterious"; PolyPhen-2: "Probably Damaging"; Align-GVGD: "Class C0"). This variant has not been reported in the literature in individuals with IL23R-related conditions. This variant is not present in population databases (ExAC no frequency). This sequence change replaces leucine with phenylalanine at codon 165 of the IL23R protein (p.Leu165Phe). The leucine residue is moderately conserved and there is a small physicochemical difference between leucine and phenylalanine.